The following is an entry in ClinVar:

NM_001033047.3(NPNT):c.103C>T (p.Leu35=)

Gene: NPNT (nephronectin; plus strand). Cytogenetic location: 4q24.
Variant type: single nucleotide variant.
Coding change: c.103C>T on transcript NM_001033047.3 (MANE Select); coding-DNA position 103, C replaced by T.
Protein change: p.Leu35=; no amino-acid change (leucine 35 retained).
Molecular consequence: synonymous variant.
Genome position (GRCh38, 1-based): chr4:105,897,932, C>T. VCF-style: chr4-105897932-C-T. GRCh37 (hg19) VCF-style: chr4-106819089-C-T.
Other names: c.103C>T (NM_001184691.1); c.103C>T, p.Leu35= (NM_001184690.2, NM_001184691.2, NM_001184692.2 and 1 more transcripts).
Identifiers: ClinVar variation 2655004 (VCV002655004.25), dbSNP rs147630398, ClinGen allele CA3034087.
Genomic context (GRCh38, chr4:105,897,932, plus strand): 5'-TATTTATTTTGAATCTTTTTTTTTGGTAGGTGGCCCAGGCAAATAGTGTCATCGATTGGC[C>T]TATGTCGTTATGGTGGGAGGATTGACTGCTGCTGGGGCTGGGCTCGCCAGTCTTGGGGAC-3'
Protein context (NP_001028219.1, residues 25-45): WPRQIVSSIG[Leu35=]CRYGGRIDCC

ClinVar aggregate classification (germline): Likely benign. Review status: criteria provided, multiple submitters, no conflicts (2 of 4 stars). 2 submissions from 2 submitters: Likely benign (2). Last evaluated 2024-11-18.

Conditions:
NPNT-related condition.

Allele frequency attached by ClinVar (database versions not stated): TOPMed 0.00101; ESP Exome Variant Server 0.00115; 1000 Genomes Project 0.00140; 1000 Genomes Project 30x 0.00141.
gnomAD v4.1: 2,266 of 1,613,592 alleles (0.14%); highest among the groups gnomAD compares: Middle Eastern, 0.71%; 8 homozygotes.

Submissions (2):

PreventionGenetics, part of Exact Sciences
Classification: Likely benign for NPNT-related condition. Last evaluated: 2024-11-18. Review status: criteria provided, single submitter. Criteria: ACMG Guidelines, 2015. Collection method: clinical testing. Allele origin: germline.
Comment: This variant is classified as likely benign based on ACMG/AMP sequence variant interpretation guidelines (Richards et al. 2015 PMID: 25741868, with internal and published modifications).

CeGaT Center for Human Genetics Tuebingen
Classification: Likely benign. Last evaluated: 2023-02-01. Review status: criteria provided, single submitter. Criteria: CeGaT Center For Human Genetics Tuebingen Variant Classification Criteria Version 2. Collection method: clinical testing. Allele origin: germline. Affected: yes. Observed: 1 variant allele.
Comment: NPNT: BP4, BS2